The following is an entry in ClinVar:

NM_001081.4(CUBN):c.8340C>T (p.Val2780=)

Gene: CUBN (cubilin; minus strand). Cytogenetic location: 10p13.
Variant type: single nucleotide variant.
Coding change: c.8340C>T on transcript NM_001081.4 (MANE Select); coding-DNA position 8340, C replaced by T.
Protein change: p.Val2780=; no amino-acid change (valine 2780 retained).
Molecular consequence: synonymous variant.
Genome position (GRCh38, 1-based): chr10:16,900,695, G>A on the plus strand (C>T on the coding strand, the complement: CUBN is on the minus strand). VCF-style: chr10-16900695-G-A. GRCh37 (hg19) VCF-style: chr10-16942694-G-A.
Identifiers: ClinVar variation 3706459 (VCV003706459.4).

ClinVar aggregate classification (germline): Likely benign. Review status: criteria provided, multiple submitters, no conflicts (2 of 4 stars). 3 submissions from 3 submitters: Likely benign (3). Last evaluated 2026-01-19.

Conditions:
CUBN-related disorder. Also called: CUBN-related condition.
Imerslund-Grasbeck syndrome. Also called: Megaloblastic anemia due to inborn errors of metabolism; ENTEROCYTE COBALAMIN MALABSORPTION; ENTEROCYTE INTRINSIC FACTOR RECEPTOR, DEFECT OF; PERNICIOUS ANEMIA, JUVENILE, DUE TO SELECTIVE INTESTINAL MALABSORPTION OF VITAMIN B12, WITH PROTEINURIA; Imerslund-Gräsbeck syndrome. Identifiers: Orphanet 35858, MedGen C4551825, MONDO:0009853.

gnomAD v4.1: 84 of 1,614,092 alleles (0.0052%); highest among the groups gnomAD compares: Middle Eastern, 0.23%; 1 homozygote.

Submissions (3):

Labcorp Genetics (formerly Invitae), Labcorp
Classification: Likely benign for Imerslund-Grasbeck syndrome. Last evaluated: 2026-01-19. Review status: criteria provided, single submitter. Criteria: Invitae Variant Classification Sherloc (09022015). Collection method: clinical testing. Allele origin: germline.

PreventionGenetics, part of Exact Sciences
Classification: Likely benign for CUBN-related condition. Last evaluated: 2025-06-06. Review status: criteria provided, single submitter. Criteria: ACMG Guidelines, 2015. Collection method: clinical testing. Allele origin: germline.
Comment: This variant is classified as likely benign based on ACMG/AMP sequence variant interpretation guidelines (Richards et al. 2015 PMID: 25741868, with internal and published modifications).

Blueprint Genetics
Classification: Likely benign. Last evaluated: 2024-03-07. Review status: criteria provided, single submitter. Criteria: ACMG Guidelines, 2015. Collection method: clinical testing. Allele origin: germline.